The following is an entry in ClinVar:

NM_006914.4(RORB):c.75C>T (p.Ile25=)

Gene: RORB (RAR related orphan receptor B; plus strand). Cytogenetic location: 9q21.13.
Variant type: single nucleotide variant.
Coding change: c.75C>T on transcript NM_006914.4 (MANE Select); coding-DNA position 75, C replaced by T.
Protein change: p.Ile25=; no amino-acid change (isoleucine 25 retained).
Molecular consequence: synonymous variant.
Genome position (GRCh38, 1-based): chr9:74,630,349, C>T. VCF-style: chr9-74630349-C-T. GRCh37 (hg19) VCF-style: chr9-77245265-C-T.
Other names: c.108C>T, p.Ile36= (NM_001365023.1).
Identifiers: ClinVar variation 782753 (VCV000782753.41), dbSNP rs41307459, ClinGen allele CA5083284.

ClinVar aggregate classification (germline): Benign/Likely benign. Review status: criteria provided, multiple submitters, no conflicts (2 of 4 stars). 5 submissions from 5 submitters: Benign (2); Likely benign (2). 1 of the submissions does not count toward it. Last evaluated 2026-07-01.

Conditions:
RORB-related disorder. Also called: RORB-related condition.
Epilepsy, idiopathic generalized, susceptibility to, 15 (EIG15). Identifiers: MedGen C5193050, MONDO:0032699, OMIM 618357.

Allele frequency attached by ClinVar (database versions not stated): ESP Exome Variant Server 0.00461; gnomAD 0.00472 and 0.00485; gnomAD exomes 0.00494 and 0.00521; ExAC 0.00540; 1000 Genomes Project 30x 0.00203; 1000 Genomes Project 0.00240; TOPMed 0.00335.
gnomAD v4.1: 7,909 of 1,612,784 alleles (0.49%); highest among the groups gnomAD compares: Non-Finnish European, 0.5%; 39 homozygotes.

Submissions (5):

CeGaT Center for Human Genetics Tuebingen
Classification: Likely benign. Last evaluated: 2026-07-01. Review status: criteria provided, single submitter. Criteria: CeGaT Center For Human Genetics Tuebingen Variant Classification Criteria Version 2. Collection method: clinical testing. Allele origin: germline. Affected: yes. Observed: 33 variant alleles.
Comment: RORB: BP4, BS2

Labcorp Genetics (formerly Invitae), Labcorp
Classification: Benign. Last evaluated: 2026-02-03. Review status: criteria provided, single submitter. Criteria: Invitae Variant Classification Sherloc (09022015). Collection method: clinical testing. Allele origin: germline.

ARUP Laboratories, Molecular Genetics and Genomics, ARUP Laboratories
Classification: Likely benign for Epilepsy, idiopathic generalized, susceptibility to, 15. Last evaluated: 2024-12-26. Review status: criteria provided, single submitter. Criteria: ARUP Molecular Germline Variant Investigation Process 2024. Collection method: clinical testing. Allele origin: germline.

Breakthrough Genomics
Classification: Benign. Review status: criteria provided, single submitter. Criteria: ACMG Guidelines, 2015. Collection method: not provided. Allele origin: germline. Inheritance: Autosomal dominant inheritance. Affected: yes.

PreventionGenetics, part of Exact Sciences
Classification: Benign for RORB-related condition. Last evaluated: 2024-04-10. Review status: no assertion criteria provided. Collection method: clinical testing. Allele origin: germline. Not counted in ClinVar's aggregate classification.
Comment: This variant is classified as benign based on ACMG/AMP sequence variant interpretation guidelines (Richards et al. 2015 PMID: 25741868, with internal and published modifications).